The following is an entry in ClinVar:

ClinVar aggregate classification (germline): Pathogenic (1 of 4 stars; one submission).

Allele frequency attached by ClinVar (database versions not stated): gnomAD exomes 0.00001.

Submission:

GeneDx
Classification: Pathogenic. Last evaluated: 2022-12-14. Review status: criteria provided, single submitter. Criteria: GeneDx Variant Classification Process June 2021. Collection method: clinical testing. Allele origin: germline. Affected: yes.
Comment: Frameshift variant predicted to result in protein truncation, as the last 1954 amino acids are replaced with 13 different amino acids, and other loss-of-function variants have been reported downstream in the Human Gene Mutation Database (HGMD); Not observed at significant frequency in large population cohorts (gnomAD); Has not been previously published as pathogenic or benign to our knowledge; This variant is associated with the following publications: (PMID: 16444271)

NM_002016.2(FLG):c.6321dup (p.Ala2108fs)

Genes: CCDST (cervical cancer associated DHX9 suppressive transcript; plus strand), FLG (filaggrin; minus strand). Cytogenetic location: 1q21.3.
Variant type: Duplication.
Coding change: c.6321dup on transcript NM_002016.2 (MANE Select); coding-DNA position 6321, one base duplicated (T; older notation c.6321dupT).
Protein change: p.Ala2108fs; shifts the reading frame from alanine 2108.
Molecular consequence: frameshift variant.
Genome position (GRCh38, 1-based): chr1:152,308,565, A duplicated on the plus strand (T on the coding strand, the reverse complement: FLG is on the minus strand). VCF-style (leftmost placement, unchanged base first): chr1-152308564-C-CA. GRCh37 (hg19) VCF-style: chr1-152281040-C-CA.
Other names: short protein forms A2108fs.
Identifiers: ClinVar variation 1804196 (VCV001804196.1), dbSNP rs1652150709, ClinGen allele CA2479949645.
Genomic context (GRCh38, chr1:152,308,564, plus strand): 5'-GCCTGGAGCTGTCTTGTGCCTGATCATAATGGGATCCTTGTCTTCCTCCAGTGCTGGGCG[C>CA]AGACTGTCCATGGGTGGACTCAGACTGTTCATGAGTGCTCACCTGGTAGAGGAAAGACCC-3'